The following is an entry in ClinVar:

NM_144631.6(ZNF513):c.989G>A (p.Arg330Gln)

Gene: ZNF513 (zinc finger protein 513; minus strand). Cytogenetic location: 2p23.3.
Variant type: single nucleotide variant.
Coding change: c.989G>A on transcript NM_144631.6 (MANE Select); coding-DNA position 989, G replaced by A.
Protein change: p.Arg330Gln; replaces arginine 330 with glutamine.
Molecular consequence: missense variant.
Genome position (GRCh38, 1-based): chr2:27,378,182, C>T on the plus strand (G>A on the coding strand, the complement: ZNF513 is on the minus strand). VCF-style: chr2-27378182-C-T. GRCh37 (hg19) VCF-style: chr2-27601049-C-T.
Other names: c.803G>A, p.Arg268Gln (NM_001201459.2); short protein forms R330Q, R268Q.
Identifiers: ClinVar variation 954649 (VCV000954649.9), dbSNP rs766017554, ClinGen allele CA1577883.
Genomic context (GRCh38, chr2:27,378,182, plus strand): 5'-CCACTGGCACCCCCTCCAGCCTCTCCTCGCATGCAGCGCCCACACATGGCAGCTCCCAGC[C>T]GACTACCCTCACCCTCCTCCAGCTCTTGTCCACAGCCCCGGCAGGTCCAAGGGAATAGCA-3'
Protein context (NP_653232.3, residues 320-340): GQELEEGEGS[Arg330Gln]LGAAMCGRCM

ClinVar aggregate classification (germline): Uncertain significance (1 of 4 stars; one submission).

Allele frequency attached by ClinVar (database versions not stated): TOPMed below 0.00001; ExAC 0.00002; gnomAD exomes 0.00002 and 0.00003.

Submission:

Labcorp Genetics (formerly Invitae), Labcorp
Classification: Uncertain significance. Last evaluated: 2025-04-16. Review status: criteria provided, single submitter. Criteria: Invitae Variant Classification Sherloc (09022015). Collection method: clinical testing. Allele origin: germline.
Comment: This sequence change replaces arginine, which is basic and polar, with glutamine, which is neutral and polar, at codon 330 of the ZNF513 protein (p.Arg330Gln). This variant is present in population databases (rs766017554, gnomAD 0.006%). This variant has not been reported in the literature in individuals affected with ZNF513-related conditions. ClinVar contains an entry for this variant (Variation ID: 954649). An algorithm developed to predict the effect of missense changes on protein structure and function (PolyPhen-2) suggests that this variant is likely to be tolerated. In summary, the available evidence is currently insufficient to determine the role of this variant in disease. Therefore, it has been classified as a Variant of Uncertain Significance.